The following is an entry in ClinVar:

NM_001267550.2(TTN):c.89830C>T (p.His29944Tyr)

Genes: TTN (titin; minus strand), TTN-AS1 (TTN antisense RNA 1; plus strand). Cytogenetic location: 2q31.2.
Variant type: single nucleotide variant.
Coding change: c.89830C>T on transcript NM_001267550.2 (MANE Select); coding-DNA position 89830, C replaced by T.
Protein change: p.His29944Tyr; replaces histidine 29944 with tyrosine.
Molecular consequence: missense variant.
Genome position (GRCh38, 1-based): chr2:178,553,070, G>A on the plus strand (C>T on the coding strand, the complement: TTN is on the minus strand). VCF-style: chr2-178553070-G-A. GRCh37 (hg19) VCF-style: chr2-179417797-G-A.
Other names: c.84907C>T, p.His28303Tyr (NM_001256850.1); c.62635C>T, p.His20879Tyr (NM_003319.4); c.82126C>T, p.His27376Tyr (NM_133378.4); c.63010C>T, p.His21004Tyr (NM_133432.3); c.63211C>T, p.His21071Tyr (NM_133437.4); short protein forms H21071Y, H21004Y, H27376Y, H29944Y, H20879Y, H28303Y.
Identifiers: ClinVar variation 4987158 (VCV004987158.1).

ClinVar aggregate classification (germline): Uncertain significance (1 of 4 stars; one submission).

Conditions:
TTN-related disorder. Also called: TTN-related disorders; TTN-related condition; TTN-related disease.

gnomAD v4.1: 17 of 1,612,266 alleles (0.0011%); highest among the groups gnomAD compares: Non-Finnish European, 0.0012%; no homozygotes.

Submission:

PreventionGenetics, part of Exact Sciences
Classification: Uncertain significance for TTN-related condition. Last evaluated: 2026-05-05. Review status: criteria provided, single submitter. Criteria: ACMG Guidelines, 2015. Collection method: clinical testing. Allele origin: germline.
Comment: The TTN c.89830C>T variant is predicted to result in the amino acid substitution p.His29944Tyr. To our knowledge, this variant has not been reported in the literature. This variant is reported in 0.0036% of alleles in individuals of European (Non-Finnish) descent in gnomAD. At this time, the clinical significance of this variant is uncertain due to the absence of conclusive functional and genetic evidence.